The following is an entry in ClinVar:

NM_001164508.2(NEB):c.6166A>G (p.Arg2056Gly)

Gene: NEB (nebulin; minus strand). Cytogenetic location: 2q23.3.
Variant type: single nucleotide variant.
Coding change: c.6166A>G on transcript NM_001164508.2 (MANE Select); coding-DNA position 6166, A replaced by G.
Protein change: p.Arg2056Gly; replaces arginine 2056 with glycine.
Molecular consequence: missense variant.
Genome position (GRCh38, 1-based): chr2:151,658,000, T>C on the plus strand (A>G on the coding strand, the complement: NEB is on the minus strand). VCF-style: chr2-151658000-T-C. GRCh37 (hg19) VCF-style: chr2-152514514-T-C.
Other names: p.Arg2056Gly; c.6166A>G, p.Arg2056Gly (NM_001164507.2, NM_001271208.2, NM_004543.5); short protein forms R2056G.
Identifiers: ClinVar variation 387292 (VCV000387292.26), dbSNP rs115350357, ClinGen allele CA1910166.

ClinVar aggregate classification (germline): Conflicting classifications of pathogenicity. Review status: criteria provided, conflicting classifications (1 of 4 stars). 7 submissions from 7 submitters: Uncertain significance (1); Benign (3); Likely benign (1). 2 of the submissions do not count toward it. Last evaluated 2026-02-01.

Conditions:
Nemaline myopathy 2 (NEM2). Also called: Nemaline myopathy 2, autosomal recessive. Identifiers: MedGen C1850569, MONDO:0009725, OMIM 256030.
NEB-related disorder. Also called: NEB-Related Disorders; NEB-related condition.

Allele frequency attached by ClinVar (database versions not stated): gnomAD exomes 0.00031 and 0.00087; ExAC 0.00140; ESP Exome Variant Server 0.00319; gnomAD 0.00359 and 0.00379; TOPMed 0.00422; 1000 Genomes Project 0.00519; 1000 Genomes Project 30x 0.00656.
gnomAD v4.1: 1,039 of 1,607,390 alleles (0.065%); highest among the groups gnomAD compares: African/African-American, 1.2%; 3 homozygotes.

Submissions (7):

CeGaT Center for Human Genetics Tuebingen
Classification: Likely benign. Last evaluated: 2026-02-01. Review status: criteria provided, single submitter. Criteria: CeGaT Center For Human Genetics Tuebingen Variant Classification Criteria Version 2. Collection method: clinical testing. Allele origin: germline. Affected: yes. Observed: 1 variant allele.
Comment: NEB: BS1

Labcorp Genetics (formerly Invitae), Labcorp
Classification: Benign for Nemaline myopathy 2. Last evaluated: 2026-02-01. Review status: criteria provided, single submitter. Criteria: Invitae Variant Classification Sherloc (09022015). Collection method: clinical testing. Allele origin: germline.

Mayo Clinic Laboratories, Mayo Clinic
Classification: Benign. Last evaluated: 2025-04-23. Review status: criteria provided, single submitter. Criteria: ACMG Guidelines, 2015. Collection method: clinical testing. Allele origin: germline. Observed: 1 variant allele.
Comment: BS1, BS2, BP4

Blueprint Genetics
Classification: Uncertain significance. Last evaluated: 2024-11-13. Review status: criteria provided, single submitter. Criteria: ACMG Guidelines, 2015. Collection method: clinical testing. Allele origin: germline.

GeneDx
Classification: Benign. Last evaluated: 2019-11-11. Review status: criteria provided, single submitter. Criteria: GeneDx Variant Classification Process June 2021. Collection method: clinical testing. Allele origin: germline. Affected: yes.

Natera, Inc.
Classification: Benign for Nemaline myopathy type 2. Last evaluated: 2019-12-09. Review status: no assertion criteria provided. Collection method: clinical testing. Allele origin: germline. Not counted in ClinVar's aggregate classification.

PreventionGenetics, part of Exact Sciences
Classification: Benign for NEB-related condition. Last evaluated: 2019-03-26. Review status: no assertion criteria provided. Collection method: clinical testing. Allele origin: germline. Not counted in ClinVar's aggregate classification.
Comment: This variant is classified as benign based on ACMG/AMP sequence variant interpretation guidelines (Richards et al. 2015 PMID: 25741868, with internal and published modifications).